The following is an entry in ClinVar:

NM_201253.3(CRB1):c.2714G>A (p.Arg905Gln)

Gene: CRB1 (crumbs cell polarity complex component 1; plus strand). Cytogenetic location: 1q31.3.
Variant type: single nucleotide variant.
Coding change: c.2714G>A on transcript NM_201253.3 (MANE Select); coding-DNA position 2714, G replaced by A.
Protein change: p.Arg905Gln; replaces arginine 905 with glutamine.
Molecular consequence: missense variant. On other transcripts: non-coding transcript variant (2), intron variant (1).
Genome position (GRCh38, 1-based): chr1:197,429,486, G>A. VCF-style: chr1-197429486-G-A. GRCh37 (hg19) VCF-style: chr1-197398616-G-A.
Other names: c.2378G>A, p.Arg793Gln (NM_001193640.2); c.2642G>A, p.Arg881Gln (NM_001257965.2); c.2129-6114G>A (NM_001257966.2); short protein forms R905Q, R881Q, R793Q.
Identifiers: ClinVar variation 225327 (VCV000225327.20), dbSNP rs114052315, ClinGen allele CA1312195.

ClinVar aggregate classification (germline): Conflicting classifications of pathogenicity. Review status: criteria provided, conflicting classifications (1 of 4 stars). 9 submissions from 7 submitters: Uncertain significance (3); Likely benign (5). 1 of the submissions does not count toward it. Last evaluated 2025-10-06.

Conditions:
CRB1-related disorder. Also called: CRB1-related condition; CRB1-related disorders.
Retinal dystrophy. Also called: Inherited retinal dystrophy. Identifiers: Orphanet 71862, MedGen C0854723, MeSH D058499, MONDO:0019118, HP:0000556.
Leber congenital amaurosis 8 (LCA8). Identifiers: Orphanet 65, MedGen C3151202, MONDO:0013453, OMIM 613835.
Retinitis pigmentosa 12 (RP12). Also called: RP WITH OR WITHOUT PRESERVED PARAARTERIOLE RETINAL PIGMENT EPITHELIUM; RETINITIS PIGMENTOSA WITH OR WITHOUT PARAARTERIOLAR PRESERVATION OF RETINAL PIGMENT EPITHELIUM; RP WITH OR WITHOUT PPRPE. Identifiers: Orphanet 791, MedGen C1838647, MONDO:0010818, OMIM 600105.
Leber congenital amaurosis (LCA). Also called: Leber's amaurosis. Identifiers: Orphanet 65, MedGen C0339527, MeSH D057130, MONDO:0018998.
Retinitis pigmentosa (RP). Identifiers: Orphanet 791, MedGen C0035334, MeSH D012174, MONDO:0019200, OMIM 268000. Inheritance: Autosomal dominant, autosomal recessive and X linked inheritance.
Pigmented paravenous retinochoroidal atrophy. Identifiers: Orphanet 251295, MedGen C1868310, MONDO:0008246, OMIM 172870.

Allele frequency attached by ClinVar (database versions not stated): gnomAD 0.00011 and 0.00018; ESP Exome Variant Server 0.00023; TOPMed 0.00023; gnomAD exomes 0.00028; ExAC 0.00032; 1000 Genomes Project 30x 0.00062; 1000 Genomes Project 0.00100.
gnomAD v4.1: 269 of 1,613,932 alleles (0.017%); highest among the groups gnomAD compares: East Asian, 0.47%; no homozygotes.

Submissions (9):

Labcorp Genetics (formerly Invitae), Labcorp
Classification: Likely benign for Leber congenital amaurosis 8; Retinitis pigmentosa 12. Last evaluated: 2025-10-06. Review status: criteria provided, single submitter. Criteria: Invitae Variant Classification Sherloc (09022015). Collection method: clinical testing. Allele origin: germline.

PreventionGenetics, part of Exact Sciences
Classification: Uncertain significance for CRB1-related condition. Last evaluated: 2024-11-22. Review status: criteria provided, single submitter. Criteria: ACMG Guidelines, 2015. Collection method: clinical testing. Allele origin: germline.
Comment: The CRB1 c.2714G>A variant is predicted to result in the amino acid substitution p.Arg905Gln. This variant has been reported in individuals with Leber congenital amaurosis (LCA) or retinitis pigmentosa in the homozygous state or with a second CRB1 variant (Wang et al. 2015. PubMed ID: 26047050; Zhu et al. 2021. PubMed ID: 33970760; Table S4, Liu. 2020. PubMed ID: 33090715). This variant has also been reported in the heterozygous state, without a second variant, in a LCA patient; however, the patient’s unaffected sibling also carried this variant in the heterozygous state (den Hollander et al. 2004. PubMed ID: 15459956, Table 4). This variant is reported in 0.30% of alleles in individuals of East Asian descent in gnomAD. At this time, the clinical significance of this variant is uncertain due to the absence of conclusive functional and genetic evidence.

Blueprint Genetics
Classification: Likely benign. Last evaluated: 2024-08-02. Review status: criteria provided, single submitter. Criteria: ACMG Guidelines, 2015. Collection method: clinical testing. Allele origin: germline.

Dept Of Ophthalmology, Nagoya University
Classification: Uncertain significance for Retinal dystrophy. Last evaluated: 2023-10-01. Review status: criteria provided, single submitter. Criteria: Submitter's publication. Collection method: research. Allele origin: germline. Affected: yes.

Illumina Laboratory Services, Illumina
Classification: Likely benign for Leber congenital amaurosis 8. Last evaluated: 2017-04-27. Review status: criteria provided, single submitter. Criteria: ICSL Variant Classification Criteria 13 December 2019. Collection method: clinical testing. Allele origin: germline.
Comment: This variant was observed as part of a predisposition screen in an ostensibly healthy population. A literature search was performed for the gene, cDNA change, and amino acid change (where applicable). Publications were found based on this search. The evidence from the literature, in combination with allele frequency data from public databases where available, was sufficient to determine this variant is unlikely to cause disease. Therefore, this variant is classified as likely benign.

Illumina Laboratory Services, Illumina
Classification: Likely benign for Retinitis pigmentosa. Last evaluated: 2017-04-27. Review status: criteria provided, single submitter. Criteria: ICSL Variant Classification Criteria 13 December 2019. Collection method: clinical testing. Allele origin: germline.
Comment: the same text as in the submission from Illumina Laboratory Services, Illumina above.

Illumina Laboratory Services, Illumina
Classification: Likely benign for Pigmented paravenous retinochoroidal atrophy. Last evaluated: 2017-04-27. Review status: criteria provided, single submitter. Criteria: ICSL Variant Classification Criteria 13 December 2019. Collection method: clinical testing. Allele origin: germline.
Comment: This variant was observed as part of a predisposition screen in an ostensibly healthy population. A literature search was performed for the gene, cDNA change, and amino acid change (where applicable). No publications were found based on this search. Allele frequency data from public databases allowed determination this variant is unlikely to cause disease. Therefore, this variant is classified as likely benign.

Soonchunhyang University Bucheon Hospital, Soonchunhyang University Medical Center
Classification: Uncertain significance for Leber congenital amaurosis 8. Last evaluated: 2016-03-18. Review status: criteria provided, single submitter. Criteria: ACMG Guidelines, 2015. Collection method: reference population. Allele origin: germline. Observed: 1 variant allele.

Natera, Inc.
Classification: Likely benign for Leber congenital amaurosis. Last evaluated: 2020-09-16. Review status: no assertion criteria provided. Collection method: clinical testing. Allele origin: germline. Not counted in ClinVar's aggregate classification.

Literature cited by the submitters: PubMed 15459956 (cited by Illumina Laboratory Services, Illumina and Soonchunhyang University Bucheon Hospital, Soonchunhyang University Medical Center); PubMed 18055816 (cited by Illumina Laboratory Services, Illumina); PubMed 16123401 (cited by Soonchunhyang University Bucheon Hospital, Soonchunhyang University Medical Center).